The following is an entry in ClinVar:

NM_001033855.3(DCLRE1C):c.1A>G (p.Met1Val)

Gene: DCLRE1C (DNA cross-link repair 1C; minus strand). Cytogenetic location: 10p13.
Variant type: single nucleotide variant.
Coding change: c.1A>G on transcript NM_001033855.3 (MANE Select); coding-DNA position 1, A replaced by G.
Protein change: p.Met1Val; changes the start codon (methionine 1).
Molecular consequence: missense variant, initiator codon variant. On other transcripts: 5 prime UTR variant (9), non-coding transcript variant (4).
Genome position (GRCh38, 1-based): chr10:14,954,010, T>C on the plus strand (A>G on the coding strand, the complement: DCLRE1C is on the minus strand). VCF-style: chr10-14954010-T-C. GRCh37 (hg19) VCF-style: chr10-14996009-T-C.
Other names: c.-813A>G (NM_001289079.2); c.1A>G, p.Met1Val (NM_001350965.2); c.-237A>G (NM_001350966.2, NM_001289078.2); c.-445A>G (NM_001350967.2, NM_001033857.3); c.-289A>G (NM_022487.4); c.-767A>G (NM_001033858.3); c.-204A>G (NM_001289076.2); c.-491A>G (NM_001289077.2); short protein forms M1V.
Identifiers: ClinVar variation 3720924 (VCV003720924.2).
Genomic context (GRCh38, chr10:14,954,010, plus strand): 5'-TATCGAAGCGGTCTATGGAGATAGTTGGATACTCGGCCATCTGCCCCTCGAAAGAACTCA[T>C]AGCGCCGCCGATCCCAGAGTCCGGGACCCCAAAACCGCAGCTGAAGCCAAGGCCAGCCCT-3'
Protein context (NP_001029027.1, residues 1-11): [Met1Val]SSFEGQMAEY

ClinVar aggregate classification (germline): Likely pathogenic (1 of 4 stars; one submission).

Conditions:
Severe combined immunodeficiency due to DCLRE1C deficiency (RS-SCID). Also called: SCID, AUTOSOMAL RECESSIVE, T CELL-NEGATIVE, B CELL-NEGATIVE, NK CELL-POSITIVE, WITH SENSITIVITY TO IONIZING RADIATION. Identifiers: Orphanet 275, MedGen C1865371, MONDO:0011225, OMIM 602450.

Submission:

Labcorp Genetics (formerly Invitae), Labcorp
Classification: Likely pathogenic for Athabaskan severe combined immunodeficiency. Last evaluated: 2024-03-11. Review status: criteria provided, single submitter. Criteria: Invitae Variant Classification Sherloc (09022015). Collection method: clinical testing. Allele origin: germline.
Comment: This sequence change affects the initiator methionine of the DCLRE1C mRNA. The next in-frame methionine is located at codon 8. This variant is not present in population databases (gnomAD no frequency). Disruption of the initiator codon has been observed in individual(s) with severe combined immunodeficiency (PMID: 15731174, 24144642, 25917813). In at least one individual the data is consistent with being in trans (on the opposite chromosome) from a pathogenic variant. This variant is also known as M1V. Algorithms developed to predict the effect of variants on protein structure and function are not available or were not evaluated for this variant. Experimental studies have shown that disruption of the initiator codon does not substantially affect DCLRE1C function (PMID: 25917813). In summary, the currently available evidence indicates that the variant is pathogenic, but additional data are needed to prove that conclusively. Therefore, this variant has been classified as Likely Pathogenic.

Literature cited by the submitters: PubMed 15731174; PubMed 24144642; PubMed 25917813.